The following is an entry in ClinVar:

NM_133433.4(NIPBL):c.7175G>A (p.Cys2392Tyr)

Gene: NIPBL (NIPBL cohesin loading factor; plus strand). Cytogenetic location: 5p13.2.
Variant type: single nucleotide variant.
Coding change: c.7175G>A on transcript NM_133433.4 (MANE Select); coding-DNA position 7175, G replaced by A.
Protein change: p.Cys2392Tyr; replaces cysteine 2392 with tyrosine.
Molecular consequence: missense variant.
Genome position (GRCh38, 1-based): chr5:37,052,478, G>A. VCF-style: chr5-37052478-G-A. GRCh37 (hg19) VCF-style: chr5-37052580-G-A.
Other names: c.7175G>A, p.Cys2392Tyr (NM_015384.5); short protein forms C2392Y.
Identifiers: ClinVar variation 281748 (VCV000281748.6), dbSNP rs886042231, ClinGen allele CA10603965.

ClinVar aggregate classification (germline): Conflicting classifications of pathogenicity. Review status: criteria provided, conflicting classifications (1 of 4 stars). 3 submissions from 3 submitters: Likely pathogenic (2); Uncertain significance (1). Last evaluated 2025-09-14.

Conditions:
Cornelia de Lange syndrome 1 (CDLS1). Also called: NIPBL-Related Cornelia de Lange Syndrome; Brachmann de Lange syndrome; TYPUS DEGENERATIVUS AMSTELODAMENSIS. Identifiers: Orphanet 199, MedGen C4551851, MONDO:0007387, OMIM 122470.

Submissions (3):

Labcorp Genetics (formerly Invitae), Labcorp
Classification: Uncertain significance for Cornelia de Lange syndrome 1. Last evaluated: 2025-09-14. Review status: criteria provided, single submitter. Criteria: Invitae Variant Classification Sherloc (09022015). Collection method: clinical testing. Allele origin: germline.
Comment: This sequence change replaces cysteine, which is neutral and slightly polar, with tyrosine, which is neutral and polar, at codon 2392 of the NIPBL protein (p.Cys2392Tyr). This variant is not present in population databases (gnomAD no frequency). This missense change has been observed in individual(s) with clinical features of Cornelia de Lange syndrome (PMID: 30158690). ClinVar contains an entry for this variant (Variation ID: 281748). Invitae Evidence Modeling of protein sequence and biophysical properties (such as structural, functional, and spatial information, amino acid conservation, physicochemical variation, residue mobility, and thermodynamic stability) has been performed for this missense variant. However, the output from this modeling did not meet the statistical confidence thresholds required to predict the impact of this variant on NIPBL protein function. In summary, the available evidence is currently insufficient to determine the role of this variant in disease. Therefore, it has been classified as a Variant of Uncertain Significance.

Baylor Genetics
Classification: Likely pathogenic for Cornelia de Lange syndrome 1. Last evaluated: 2018-03-08. Review status: criteria provided, single submitter. Criteria: ACMG Guidelines, 2015. Collection method: clinical testing. Allele origin: de novo. Affected: yes. Observed: 1 variant allele.

Eurofins Ntd Llc (ga)
Classification: Likely pathogenic. Last evaluated: 2016-02-17. Review status: criteria provided, single submitter. Criteria: EGL Classification Definitions 2015. Collection method: clinical testing. Allele origin: germline. Observed: 1 variant allele, 1 heterozygote.

Literature cited by the submitters: PubMed 30158690 (cited by Labcorp Genetics (formerly Invitae), Labcorp and Baylor Genetics).